The following is an entry in ClinVar:

ClinVar aggregate classification (germline): Likely benign (0 of 4 stars; one submission).

Conditions:
FAM83H-related disorder. Also called: FAM83H-related condition.

Allele frequency attached by ClinVar (database versions not stated): TOPMed below 0.00001; gnomAD exomes 0.00001.

Submission:

PreventionGenetics, part of Exact Sciences
Classification: Likely benign for FAM83H-related condition. Last evaluated: 2019-04-18. Review status: no assertion criteria provided. Collection method: clinical testing. Allele origin: germline.
Comment: This variant is classified as likely benign based on ACMG/AMP sequence variant interpretation guidelines (Richards et al. 2015 PMID: 25741868, with internal and published modifications).

NM_198488.5(FAM83H):c.1458G>A (p.Pro486=)

Gene: FAM83H (family with sequence similarity 83 member H; minus strand). Cytogenetic location: 8q24.3.
Variant type: single nucleotide variant.
Coding change: c.1458G>A on transcript NM_198488.5 (MANE Select); coding-DNA position 1458, G replaced by A.
Protein change: p.Pro486=; no amino-acid change (proline 486 retained).
Molecular consequence: synonymous variant.
Genome position (GRCh38, 1-based): chr8:143,728,003, C>T on the plus strand (G>A on the coding strand, the complement: FAM83H is on the minus strand). VCF-style: chr8-143728003-C-T. GRCh37 (hg19) VCF-style: chr8-144810173-C-T.
Identifiers: ClinVar variation 3047606 (VCV003047606.2), dbSNP rs1554623060, ClinGen allele CA463520159.